The following is an entry in ClinVar:

NM_001256071.3(RNF213):c.6582G>A (p.Pro2194=)

Gene: RNF213 (ring finger protein 213; plus strand). Cytogenetic location: 17q25.3.
Variant type: single nucleotide variant.
Coding change: c.6582G>A on transcript NM_001256071.3 (MANE Select); coding-DNA position 6582, G replaced by A.
Protein change: p.Pro2194=; no amino-acid change (proline 2194 retained).
Molecular consequence: synonymous variant.
Genome position (GRCh38, 1-based): chr17:80,344,917, G>A. VCF-style: chr17-80344917-G-A. GRCh37 (hg19) VCF-style: chr17-78318717-G-A.
Other names: p.Pro2194=.
Identifiers: ClinVar variation 725992 (VCV000725992.9), dbSNP rs140158248, ClinGen allele CA8820571.

ClinVar aggregate classification (germline): Benign/Likely benign. Review status: criteria provided, multiple submitters, no conflicts (2 of 4 stars). 4 submissions from 4 submitters: Benign (3); Likely benign (1). Last evaluated 2025-09-15.

Allele frequency attached by ClinVar (database versions not stated): gnomAD exomes 0.00019 and 0.00052; ExAC 0.00070; 1000 Genomes Project 30x 0.00203; gnomAD 0.00208 and 0.00223; ESP Exome Variant Server 0.00215; 1000 Genomes Project 0.00220; TOPMed 0.00220.

Submissions (4):

Labcorp Genetics (formerly Invitae), Labcorp
Classification: Benign. Last evaluated: 2025-09-15. Review status: criteria provided, single submitter. Criteria: Invitae Variant Classification Sherloc (09022015). Collection method: clinical testing. Allele origin: germline.

Mayo Clinic Laboratories, Mayo Clinic
Classification: Benign. Last evaluated: 2025-01-06. Review status: criteria provided, single submitter. Criteria: ACMG Guidelines, 2015. Collection method: clinical testing. Allele origin: germline. Observed: 2 variant alleles.
Comment: BS1, BS2, BP4, BP7

Blueprint Genetics
Classification: Likely benign. Last evaluated: 2024-10-08. Review status: criteria provided, single submitter. Criteria: ACMG Guidelines, 2015. Collection method: clinical testing. Allele origin: germline.

Breakthrough Genomics
Classification: Benign. Review status: criteria provided, single submitter. Criteria: ACMG Guidelines, 2015. Collection method: not provided. Allele origin: germline. Inheritance: Autosomal dominant inheritance. Affected: yes.